The following is an entry in ClinVar:

NM_000466.3(PEX1):c.2506G>C (p.Asp836His)

Gene: PEX1 (peroxisomal biogenesis factor 1; minus strand). Cytogenetic location: 7q21.2.
Variant type: single nucleotide variant.
Coding change: c.2506G>C on transcript NM_000466.3 (MANE Select); coding-DNA position 2506, G replaced by C.
Protein change: p.Asp836His; replaces aspartic acid 836 with histidine.
Molecular consequence: missense variant.
Genome position (GRCh38, 1-based): chr7:92,501,584, C>G on the plus strand (G>C on the coding strand, the complement: PEX1 is on the minus strand). VCF-style: chr7-92501584-C-G. GRCh37 (hg19) VCF-style: chr7-92130898-C-G.
Other names: c.2335G>C, p.Asp779His (NM_001282677.2); c.1882G>C, p.Asp628His (NM_001282678.2); short protein forms D779H, D836H, D628H.
Identifiers: ClinVar variation 1965704 (VCV001965704.5), dbSNP rs2484660152, ClinGen allele CA368175591.

ClinVar aggregate classification (germline): Uncertain significance (1 of 4 stars; one submission).

Conditions:
Zellweger spectrum disorders (ZS). Also called: Zellweger Spectrum Disorder; Zellweger Spectrum; Zellweger Spectrum Disorder (ZSD); Zellweger syndrome. Identifiers: Orphanet 912, MedGen C0043459, MONDO:0019609.

Submission:

Labcorp Genetics (formerly Invitae), Labcorp
Classification: Uncertain significance for Zellweger spectrum disorders. Last evaluated: 2024-12-16. Review status: criteria provided, single submitter. Criteria: Invitae Variant Classification Sherloc (09022015). Collection method: clinical testing. Allele origin: germline.
Comment: This sequence change replaces aspartic acid, which is acidic and polar, with histidine, which is basic and polar, at codon 836 of the PEX1 protein (p.Asp836His). This variant is not present in population databases (gnomAD no frequency). This variant has not been reported in the literature in individuals affected with PEX1-related conditions. ClinVar contains an entry for this variant (Variation ID: 1965704). Invitae Evidence Modeling of protein sequence and biophysical properties (such as structural, functional, and spatial information, amino acid conservation, physicochemical variation, residue mobility, and thermodynamic stability) indicates that this missense variant is not expected to disrupt PEX1 protein function with a negative predictive value of 95%. In summary, the available evidence is currently insufficient to determine the role of this variant in disease. Therefore, it has been classified as a Variant of Uncertain Significance.